The following is an entry in ClinVar:

NM_002292.4(LAMB2):c.157G>A (p.Asp53Asn)

Gene: LAMB2 (laminin subunit beta 2; minus strand). Cytogenetic location: 3p21.31.
Variant type: single nucleotide variant.
Coding change: c.157G>A on transcript NM_002292.4 (MANE Select); coding-DNA position 157, G replaced by A.
Protein change: p.Asp53Asn; replaces aspartic acid 53 with asparagine.
Molecular consequence: missense variant.
Genome position (GRCh38, 1-based): chr3:49,132,583, C>T on the plus strand (G>A on the coding strand, the complement: LAMB2 is on the minus strand). VCF-style: chr3-49132583-C-T. GRCh37 (hg19) VCF-style: chr3-49170016-C-T.
Other names: short protein forms D53N.
Identifiers: ClinVar variation 3902454 (VCV003902454.1).

ClinVar aggregate classification (germline): Uncertain significance (1 of 4 stars; one submission).

gnomAD v4.1: 7 of 1,613,778 alleles (0.00043%); highest among the groups gnomAD compares: Non-Finnish European, 0.00051%; no homozygotes.

Submission:

Women's Health and Genetics/Laboratory Corporation of America, LabCorp
Classification: Uncertain significance. Last evaluated: 2025-05-29. Review status: criteria provided, single submitter. Criteria: LabCorp Variant Classification Summary - May 2015. Collection method: clinical testing. Allele origin: germline.
Comment: Variant summary: LAMB2 c.157G>A (p.Asp53Asn) results in a conservative amino acid change in the encoded protein sequence. Algorithms developed to predict the effect of missense changes on protein structure and function are either unavailable or do not agree on the potential impact of this missense change. The variant allele was found at a frequency of 4e-06 in 250330 control chromosomes. The available data on variant occurrences in the general population are insufficient to allow any conclusion about variant significance. c.157G>A has been observed as compound heterozygous genotype in an individual affected with Pierson Syndrome (Zhang_2017). These report(s) do not provide unequivocal conclusions about association of the variant with Pierson Syndrome. To our knowledge, no experimental evidence demonstrating an impact on protein function has been reported. The following publication have been ascertained in the context of this evaluation (PMID: 27925579). No submitters have cited clinical-significance assessments for this variant to ClinVar. Based on the evidence outlined above, the variant was classified as uncertain significance.

Literature cited by the submitters: PubMed 27925579.